The following is an entry in ClinVar:

NM_003545.4(H4C5):c.66C>T (p.Val22=)

Genes: H4C5 (H4 clustered histone 5; plus strand), LOC129996027 (ATAC-STARR-seq lymphoblastoid active region 24208; plus strand). Cytogenetic location: 6p22.2.
Variant type: single nucleotide variant.
Coding change: c.66C>T on transcript NM_003545.4 (MANE Select); coding-DNA position 66, C replaced by T.
Protein change: p.Val22=; no amino-acid change (valine 22 retained).
Molecular consequence: synonymous variant.
Genome position (GRCh38, 1-based): chr6:26,204,710, C>T. VCF-style: chr6-26204710-C-T. GRCh37 (hg19) VCF-style: chr6-26204938-C-T.
Identifiers: ClinVar variation 4821567 (VCV004821567.4).
Genomic context (GRCh38, chr6:26,204,710, plus strand): 5'-TGGTCGCGGCAAAGGCGGAAAGGGACTGGGTAAAGGAGGCGCTAAGCGTCACCGTAAGGT[C>T]CTGCGAGATAACATCCAGGGCATTACCAAGCCTGCCATCCGGCGCCTTGCTCGTCGCGGG-3'
Protein context (NP_003536.1, residues 12-32): GKGGAKRHRK[Val22=]LRDNIQGITK

ClinVar aggregate classification (germline): Likely benign (1 of 4 stars; one submission).

Submission:

CeGaT Center for Human Genetics Tuebingen
Classification: Likely benign. Last evaluated: 2026-03-01. Review status: criteria provided, single submitter. Criteria: CeGaT Center For Human Genetics Tuebingen Variant Classification Criteria Version 2. Collection method: clinical testing. Allele origin: germline. Affected: yes. Observed: 1 variant allele.
Comment: H4C5: BP4, BP7